The following is an entry in ClinVar:

ClinVar aggregate classification (germline): Conflicting classifications of pathogenicity. Review status: criteria provided, conflicting classifications (1 of 4 stars). 6 submissions from 6 submitters: Uncertain significance (5); Likely benign (1). Last evaluated 2025-10-13.

Conditions:
RET-related disorder. Also called: RET-related condition; RET-related disease; RET-related disorders.
Hereditary cancer-predisposing syndrome. Also called: Neoplastic Syndromes, Hereditary; Tumor predisposition; Hereditary Cancer Syndrome; Hereditary neoplastic syndrome. Identifiers: Orphanet 140162, MedGen C0027672, MeSH D009386, MONDO:0015356.
Multiple endocrine neoplasia, type 2 (MEN2). Identifiers: Orphanet 653, MedGen C4048306, MONDO:0019003. Disease mechanism: gain of function.

Allele frequency attached by ClinVar (database versions not stated): gnomAD exomes 0.00002 and 0.00005; TOPMed 0.00002; ExAC 0.00005; 1000 Genomes Project 30x 0.00016; 1000 Genomes Project 0.00020.

Submissions (6):

Labcorp Genetics (formerly Invitae), Labcorp
Classification: Uncertain significance for Multiple endocrine neoplasia, type 2. Last evaluated: 2025-10-13. Review status: criteria provided, single submitter. Criteria: Invitae Variant Classification Sherloc (09022015). Collection method: clinical testing. Allele origin: germline.
Comment: This sequence change replaces arginine, which is basic and polar, with histidine, which is basic and polar, at codon 417 of the RET protein (p.Arg417His). This variant is present in population databases (rs201030628, gnomAD 0.006%). This variant has not been reported in the literature in individuals affected with RET-related conditions. ClinVar contains an entry for this variant (Variation ID: 405555). An algorithm developed to predict the effect of missense changes on protein structure and function outputs the following: PolyPhen-2: "Benign". The histidine amino acid residue is found in multiple mammalian species, which suggests that this missense change does not adversely affect protein function. In summary, the available evidence is currently insufficient to determine the role of this variant in disease. Therefore, it has been classified as a Variant of Uncertain Significance.

Quest Diagnostics Nichols Institute San Juan Capistrano
Classification: Uncertain significance. Last evaluated: 2025-08-13. Review status: criteria provided, single submitter. Criteria: Quest Diagnostics criteria. Collection method: clinical testing. Allele origin: unknown.

PreventionGenetics, part of Exact Sciences
Classification: Uncertain significance for RET-related condition. Last evaluated: 2024-12-23. Review status: criteria provided, single submitter. Criteria: ACMG Guidelines, 2015. Collection method: clinical testing. Allele origin: germline.
Comment: The RET c.1250G>A variant is predicted to result in the amino acid substitution p.Arg417His. To our knowledge, this variant has not been reported in the literature. This variant is reported in 0.0062% of alleles in individuals of European (Non-Finnish) descent in gnomAD and has conflicting interpretations regarding its pathogenicity in ClinVar ranging from uncertain significance to likely benign. At this time, the clinical significance of this variant is uncertain due to the absence of conclusive functional and genetic evidence.

All of Us Research Program, National Institutes of Health
Classification: Uncertain significance for Multiple endocrine neoplasia, type 2. Last evaluated: 2024-07-29. Review status: criteria provided, single submitter. Criteria: ACMG Guidelines, 2015. Collection method: clinical testing. Allele origin: germline. Inheritance: Autosomal dominant inheritance. Observed: 1 variant allele, 1 heterozygote.
Comment: This missense variant replaces arginine with histidine at codon 417 of the RET protein. Computational prediction suggests that this variant may not impact protein structure and function. To our knowledge, functional studies have not been reported for this variant. This variant has not been reported in individuals affected with RET-related disorders in the literature. This variant has been identified in 12/250150 chromosomes in the general population by the Genome Aggregation Database (gnomAD). The available evidence is insufficient to determine the role of this variant in disease conclusively. Therefore, this variant is classified as a Variant of Uncertain Significance.

This study involves interpretation of variants in research participants for the purpose of population health screening. Participant phenotype was not available at the time of variant classification. Additional details can be found in publication PMID: 35346344, PMCID: PMC8962531

GeneDx
Classification: Uncertain significance. Last evaluated: 2024-06-27. Review status: criteria provided, single submitter. Criteria: GeneDx Variant Classification Process June 2021. Collection method: clinical testing. Allele origin: germline. Affected: yes.
Comment: In silico analysis indicates that this missense variant does not alter protein structure/function; Observed in an individual with Hirschsprung disease (PMID: 29261189); This variant is associated with the following publications: (PMID: 14633923, 25733075, 29219214, 24336963, 29261189)

Ambry Genetics
Classification: Likely benign for Hereditary cancer-predisposing syndrome. Last evaluated: 2016-08-25. Review status: criteria provided, single submitter. Criteria: Ambry Variant Classification Scheme 2023. Collection method: clinical testing. Allele origin: germline.

Literature cited by the submitters: PubMed 24336963 (cited by Ambry Genetics).

NM_020975.6(RET):c.1250G>A (p.Arg417His)

Gene: RET (ret proto-oncogene; plus strand). Cytogenetic location: 10q11.21.
Variant type: single nucleotide variant.
Coding change: c.1250G>A on transcript NM_020975.6 (MANE Select); coding-DNA position 1250, G replaced by A.
Protein change: p.Arg417His; replaces arginine 417 with histidine.
Molecular consequence: missense variant.
Genome position (GRCh38, 1-based): chr10:43,109,217, G>A. VCF-style: chr10-43109217-G-A. GRCh37 (hg19) VCF-style: chr10-43604665-G-A.
Other names: c.1250G>A, p.Arg417His (NM_001406765.1, NM_000323.2, NM_001406743.1 and 6 more transcripts); c.962G>A, p.Arg321His (NM_001406766.1, NM_001406767.1, NM_001406770.1); c.1121G>A, p.Arg374His (NM_001406768.1, NM_001406761.1, NM_001406762.1 and 1 more transcripts); c.812G>A, p.Arg271His (NM_001406771.1, NM_001406773.1); c.524G>A, p.Arg175His (NM_001406775.1, NM_001406776.1, NM_001406777.1 and 1 more transcripts); c.488G>A, p.Arg163His (NM_001355216.2); c.260G>A, p.Arg87His (NM_001406784.1); short protein forms R417H, R163H, R175H, R271H, R321H, R87H, R374H.
Identifiers: ClinVar variation 405555 (VCV000405555.20), dbSNP rs201030628, ClinGen allele CA032287.
Genomic context (GRCh38, chr10:43,109,217, plus strand): 5'-TGCTGCCGGTCAGCCTGCACCTGCCCAGTACCTACTCCCTCTCCGTGAGCAGGAGGGCTC[G>A]CCGATTTGCCCAGGTGAGCCCATACCTATTGCCTGTCTGGGGAAGATTGAAAGGCCAAGG-3'
Protein context (NP_066124.1, residues 407-427): TYSLSVSRRA[Arg417His]RFAQIGKVCV